The following is an entry in ClinVar:

NM_000088.4(COL1A1):c.572G>C (p.Gly191Ala)

Gene: COL1A1 (collagen type I alpha 1 chain; minus strand). Cytogenetic location: 17q21.33.
Variant type: single nucleotide variant.
Coding change: c.572G>C on transcript NM_000088.4 (MANE Select); coding-DNA position 572, G replaced by C.
Protein change: p.Gly191Ala; replaces glycine 191 with alanine.
Molecular consequence: missense variant.
Genome position (GRCh38, 1-based): chr17:50,198,177, C>G on the plus strand (G>C on the coding strand, the complement: COL1A1 is on the minus strand). VCF-style: chr17-50198177-C-G. GRCh37 (hg19) VCF-style: chr17-48275538-C-G.
Other names: G13A; short protein forms G191A.
Identifiers: ClinVar variation 17334 (VCV000017334.11), dbSNP rs67828806, ClinGen allele CA127143.
Genomic context (GRCh38, chr17:50,198,177, plus strand): 5'-GACCAAAGCCCAAGGAGGCATATGAAGACGTCCTGGATACTCACAGGTGCACCAGGGGGG[C>G]CAGGGAGACCACGAGGACCAGAGGGACCCTATAGAGGGAGAAGAAAGGGGGGTCATGGTG-3'
Protein context (NP_000079.2, residues 181-201): MGPSGPRGLP[Gly191Ala]PPGAPGPQGF

ClinVar aggregate classification (germline): Likely pathogenic. Review status: criteria provided, single submitter (1 of 4 stars). 2 submissions from 2 submitters: Likely pathogenic (1). 1 of the submissions does not count toward it. Last evaluated 2024-06-15.

Conditions:
Osteogenesis imperfecta type I (OI1). Also called: OI, TYPE I; OSTEOGENESIS IMPERFECTA TARDA; OSTEOGENESIS IMPERFECTA WITH BLUE SCLERAE; Lobstein disease; Osteogenesis imperfecta type 1; Lobstein's Disease. Identifiers: Orphanet 216796, Orphanet 666, MedGen C0023931, MONDO:0008146, OMIM 166200. Disease mechanism: loss of function.
Osteogenesis imperfecta type 1, mild. Also called: OSTEOGENESIS IMPERFECTA, TYPE I, MILD. Identifiers: MedGen C4015950.

Submissions (2):

Labcorp Genetics (formerly Invitae), Labcorp
Classification: Likely pathogenic for Osteogenesis imperfecta type I. Last evaluated: 2024-06-15. Review status: criteria provided, single submitter. Criteria: Invitae Variant Classification Sherloc (09022015). Collection method: clinical testing. Allele origin: germline.
Comment: This sequence change replaces glycine, which is neutral and non-polar, with alanine, which is neutral and non-polar, at codon 191 of the COL1A1 protein (p.Gly191Ala). This variant is not present in population databases (gnomAD no frequency). This missense change has been observed in individual(s) with clinical features of COL1A1-related conditions (PMID: 8757037). This variant is also known as G13A. ClinVar contains an entry for this variant (Variation ID: 17334). Advanced modeling of protein sequence and biophysical properties (such as structural, functional, and spatial information, amino acid conservation, physicochemical variation, residue mobility, and thermodynamic stability) performed at Invitae indicates that this missense variant is expected to disrupt COL1A1 protein function with a positive predictive value of 95%. This variant disrupts the triple helix domain of COL1A1. Glycine residues within the Gly-Xaa-Yaa repeats of the triple helix domain are required for the structure and stability of fibrillar collagens (PMID: 7695699, 8218237, 19344236). In COL1A1, variants affecting these glycine residues are significantly enriched in individuals with disease (PMID: 9016532, 17078022) compared to the general population (ExAC). In summary, the currently available evidence indicates that the variant is pathogenic, but additional data are needed to prove that conclusively. Therefore, this variant has been classified as Likely Pathogenic.

OMIM
Classification: Pathogenic for OSTEOGENESIS IMPERFECTA, TYPE I, MILD. Last evaluated: 1996-08-01. Review status: no assertion criteria provided. Collection method: literature only. Allele origin: germline. Not counted in ClinVar's aggregate classification.

Literature cited by the submitters: PubMed 8757037 (cited by Labcorp Genetics (formerly Invitae), Labcorp and OMIM); PubMed 7695699 (cited by Labcorp Genetics (formerly Invitae), Labcorp); PubMed 8218237 (cited by Labcorp Genetics (formerly Invitae), Labcorp); PubMed 19344236 (cited by Labcorp Genetics (formerly Invitae), Labcorp); PubMed 9016532 (cited by Labcorp Genetics (formerly Invitae), Labcorp); PubMed 17078022 (cited by Labcorp Genetics (formerly Invitae), Labcorp).